The following is an entry in ClinVar:

NC_000017.10:g.(?_3397634)_(3402392_?)del

Gene: ASPA (aspartoacylase; plus strand). Cytogenetic location: 17p13.2.
Variant type: Deletion.
Identifiers: ClinVar variation 1068282 (VCV001068282.3).

ClinVar aggregate classification (germline): Likely pathogenic (1 of 4 stars; one submission).

Conditions:
Spongy degeneration of central nervous system. Also called: Canavan disease; Von Bogaert-Bertrand disease; AMINOACYLASE 2 DEFICIENCY; ACY2 DEFICIENCY; ASP DEFICIENCY; ASPA DEFICIENCY. Identifiers: Orphanet 141, MedGen C0206307, MONDO:0010079, OMIM 271900.

Submission:

Labcorp Genetics (formerly Invitae), Labcorp
Classification: Likely pathogenic for Spongy degeneration of central nervous system. Last evaluated: 2020-07-30. Review status: criteria provided, single submitter. Criteria: Invitae Variant Classification Sherloc (09022015). Collection method: clinical testing. Allele origin: germline.
Comment: This variant disrupts the p.Glu285 amino acid residue in ASPA. Other variant(s) that disrupt this residue have been determined to be pathogenic (PMID: 8252036, 8037206). This suggests that this residue is clinically significant, and that variants that disrupt this residue are likely to be disease-causing. In summary, the currently available evidence indicates that the variant is pathogenic, but additional data are needed to prove that conclusively. Therefore, this variant has been classified as Likely Pathogenic. This variant is a gross deletion of the genomic region encompassing exon(s) 5-6 of the ASPA gene. While this deletion is not anticipated to result in nonsense mediated decay, it is expected to create a truncated protein product. This variant has not been reported in the literature in individuals with ASPA-related conditions.

Literature cited by the submitters: PubMed 8252036; PubMed 8037206.